The following is an entry in ClinVar:

NM_012099.3(POLR1G):c.1031C>T (p.Thr344Met)

Genes: ERCC1 (ERCC excision repair 1, endonuclease non-catalytic subunit; minus strand), POLR1G (RNA polymerase I subunit G; plus strand). Cytogenetic location: 19q13.32.
Variant type: single nucleotide variant.
Coding change: c.1031C>T on transcript NM_012099.3 (MANE Select); coding-DNA position 1031, C replaced by T.
Protein change: p.Thr344Met; replaces threonine 344 with methionine.
Molecular consequence: missense variant. On other transcripts: 3 prime UTR variant (10).
Genome position (GRCh38, 1-based): chr19:45,408,999, C>T. VCF-style: chr19-45408999-C-T. GRCh37 (hg19) VCF-style: chr19-45912257-C-T.
Other names: c.1037C>T, p.Thr346Met (NM_001297590.3); c.*676G>A (NM_001166049.2, NM_001369412.1, NM_001369413.1 and 7 more transcripts); short protein forms T346M, T344M.
Identifiers: ClinVar variation 4141467 (VCV004141467.5).

ClinVar aggregate classification (germline): Conflicting classifications of pathogenicity. Review status: criteria provided, conflicting classifications (1 of 4 stars). 2 submissions from 2 submitters: Uncertain significance (1); Likely benign (1). Last evaluated 2026-03-01.

gnomAD v4.1: 956 of 1,613,958 alleles (0.059%); highest among the groups gnomAD compares: African/African-American, 1%; 11 homozygotes.

Submissions (2):

CeGaT Center for Human Genetics Tuebingen
Classification: Likely benign. Last evaluated: 2026-03-01. Review status: criteria provided, single submitter. Criteria: CeGaT Center For Human Genetics Tuebingen Variant Classification Criteria Version 2. Collection method: clinical testing. Allele origin: germline. Affected: yes. Observed: 1 variant allele.
Comment: POLR1G: BP4, BS1

Ambry Genetics
Classification: Uncertain significance. Last evaluated: 2025-08-04. Review status: criteria provided, single submitter. Criteria: Ambry Variant Classification Scheme 2023. Collection method: clinical testing. Allele origin: germline.